The following is an entry in ClinVar:

ClinVar aggregate classification (germline): Uncertain significance. Review status: criteria provided, multiple submitters, no conflicts (2 of 4 stars). 2 submissions from 2 submitters: Uncertain significance (2). Last evaluated 2025-08-13.

Allele frequency attached by ClinVar (database versions not stated): gnomAD 0.00001; TOPMed 0.00002; gnomAD exomes 0.00001; ExAC 0.00004.
gnomAD v4.1: 13 of 1,599,694 alleles (0.00081%); highest among the groups gnomAD compares: Admixed American, 0.012%; no homozygotes.

Submissions (2):

Ambry Genetics
Classification: Uncertain significance. Last evaluated: 2025-08-13. Review status: criteria provided, single submitter. Criteria: Ambry Variant Classification Scheme 2023. Collection method: clinical testing. Allele origin: germline.

Labcorp Genetics (formerly Invitae), Labcorp
Classification: Uncertain significance. Last evaluated: 2024-12-02. Review status: criteria provided, single submitter. Criteria: Invitae Variant Classification Sherloc (09022015). Collection method: clinical testing. Allele origin: germline.
Comment: This sequence change replaces valine, which is neutral and non-polar, with methionine, which is neutral and non-polar, at codon 116 of the FGFRL1 protein (p.Val116Met). This variant is present in population databases (rs767870668, gnomAD 0.02%). This variant has not been reported in the literature in individuals affected with FGFRL1-related conditions. ClinVar contains an entry for this variant (Variation ID: 2080347). An algorithm developed to predict the effect of missense changes on protein structure and function (PolyPhen-2) suggests that this variant is likely to be disruptive. In summary, the available evidence is currently insufficient to determine the role of this variant in disease. Therefore, it has been classified as a Variant of Uncertain Significance.

NM_001004356.3(FGFRL1):c.346G>A (p.Val116Met)

Gene: FGFRL1 (fibroblast growth factor receptor like 1; plus strand). Cytogenetic location: 4p16.3.
Variant type: single nucleotide variant.
Coding change: c.346G>A on transcript NM_001004356.3 (MANE Select); coding-DNA position 346, G replaced by A.
Protein change: p.Val116Met; replaces valine 116 with methionine.
Molecular consequence: missense variant.
Genome position (GRCh38, 1-based): chr4:1,022,469, G>A. VCF-style: chr4-1022469-G-A. GRCh37 (hg19) VCF-style: chr4-1016257-G-A.
Other names: c.346G>A (NM_001004356.2); c.346G>A, p.Val116Met (NM_001004358.1, NM_001370296.1, NM_021923.3); short protein forms V116M.
Identifiers: ClinVar variation 2080347 (VCV002080347.5), dbSNP rs767870668, ClinGen allele CA2802657.